The following is an entry in ClinVar:

NM_000045.4(ARG1):c.459dup (p.Gly154fs)

Genes: ARG1 (arginase 1; plus strand), MED23 (mediator complex subunit 23; minus strand). Cytogenetic location: 6q23.2.
Variant type: Duplication.
Coding change: c.459dup on transcript NM_000045.4 (MANE Select); coding-DNA position 459, one base duplicated (A; older notation c.459dupA).
Protein change: p.Gly154fs; shifts the reading frame from glycine 154.
Molecular consequence: frameshift variant. On other transcripts: non-coding transcript variant (1), intron variant (3).
Genome position (GRCh38, 1-based): chr6:131,581,372, A duplicated; the last of 4 consecutive A bases (chr6:131,581,369-131,581,372); duplicating any one gives the same sequence. VCF-style (leftmost placement, unchanged base first): chr6-131581368-T-TA. GRCh37 (hg19) VCF-style: chr6-131902508-T-TA.
Other names: c.483dup, p.Gly162fs (NM_001244438.2); c.306-1688dup (NM_001369020.1); c.4077+6340dup (NM_001270521.2); c.4095+6340dup (NM_015979.4); short protein forms G162fs, G154fs.
Identifiers: ClinVar variation 2845490 (VCV002845490.3), dbSNP rs2482370169, ClinGen allele CA2739266139.

ClinVar aggregate classification (germline): Pathogenic (1 of 4 stars; one submission).

Conditions:
Arginase deficiency. Also called: ARGININEMIA; ARG1 DEFICIENCY; Arginase 1 Deficiency. Identifiers: Orphanet 90, MedGen C0268548, MONDO:0008814, OMIM 207800.

Submission:

Labcorp Genetics (formerly Invitae), Labcorp
Classification: Pathogenic for Arginase deficiency. Last evaluated: 2023-03-13. Review status: criteria provided, single submitter. Criteria: Invitae Variant Classification Sherloc (09022015). Collection method: clinical testing. Allele origin: germline.
Comment: This sequence change creates a premature translational stop signal (p.Gly154Argfs*43) in the ARG1 gene. It is expected to result in an absent or disrupted protein product. Loss-of-function variants in ARG1 are known to be pathogenic (PMID: 7649538, 12052859). This variant is not present in population databases (gnomAD no frequency). This variant has not been reported in the literature in individuals affected with ARG1-related conditions. For these reasons, this variant has been classified as Pathogenic.

Literature cited by the submitters: PubMed 7649538; PubMed 12052859.